The following is an entry in ClinVar:

NM_000228.3(LAMB3):c.3448C>T (p.Leu1150=)

Gene: LAMB3 (laminin subunit beta 3; minus strand). Cytogenetic location: 1q32.2.
Variant type: single nucleotide variant.
Coding change: c.3448C>T on transcript NM_000228.3 (MANE Select); coding-DNA position 3448, C replaced by T.
Protein change: p.Leu1150=; no amino-acid change (leucine 1150 retained).
Molecular consequence: synonymous variant.
Genome position (GRCh38, 1-based): chr1:209,615,342, G>A on the plus strand (C>T on the coding strand, the complement: LAMB3 is on the minus strand). VCF-style: chr1-209615342-G-A. GRCh37 (hg19) VCF-style: chr1-209788687-G-A.
Other names: c.3448C>T, p.Leu1150= (NM_001017402.2, NM_001127641.1).
Identifiers: ClinVar variation 295061 (VCV000295061.16), dbSNP rs2228342, ClinGen allele CA1374852.

ClinVar aggregate classification (germline): Benign. Review status: criteria provided, multiple submitters, no conflicts (2 of 4 stars). 5 submissions from 5 submitters: Benign (5). Last evaluated 2026-02-04.

Conditions:
Junctional epidermolysis bullosa. Identifiers: Orphanet 305, MedGen C0079301, MONDO:0017612.

Allele frequency attached by ClinVar (database versions not stated): gnomAD exomes 0.00378 and 0.00978; ExAC 0.01204; gnomAD 0.03650 and 0.03922; TOPMed 0.04080; 1000 Genomes Project 0.04193; ESP Exome Variant Server 0.04375; 1000 Genomes Project 30x 0.04419.
gnomAD v4.1: 11,329 of 1,613,802 alleles (0.7%); highest among the groups gnomAD compares: African/African-American, 13%; 603 homozygotes.

Submissions (5):

Labcorp Genetics (formerly Invitae), Labcorp
Classification: Benign. Last evaluated: 2026-02-04. Review status: criteria provided, single submitter. Criteria: Invitae Variant Classification Sherloc (09022015). Collection method: clinical testing. Allele origin: germline.

Women's Health and Genetics/Laboratory Corporation of America, LabCorp
Classification: Benign. Last evaluated: 2020-07-17. Review status: criteria provided, single submitter. Criteria: LabCorp Variant Classification Summary - May 2015. Collection method: clinical testing. Allele origin: germline.

GeneDx
Classification: Benign. Last evaluated: 2020-03-10. Review status: criteria provided, single submitter. Criteria: GeneDx Variant Classification Process June 2021. Collection method: clinical testing. Allele origin: germline. Affected: yes.

Illumina Laboratory Services, Illumina
Classification: Benign for Junctional epidermolysis bullosa. Last evaluated: 2018-01-13. Review status: criteria provided, single submitter. Criteria: ICSL Variant Classification Criteria 13 December 2019. Collection method: clinical testing. Allele origin: germline.
Comment: This variant was observed in the ICSL laboratory as part of a predisposition screen in an ostensibly healthy population. It had not been previously curated by ICSL or reported in the Human Gene Mutation Database (HGMD: prior to June 1st, 2018), and was therefore a candidate for classification through an automated scoring system. Utilizing variant allele frequency, disease prevalence and penetrance estimates, and inheritance mode, an automated score was calculated to assess if this variant is too frequent to cause the disease. Based on the score and internal cut-off values, a variant classified as benign is not then subjected to further curation. The score for this variant resulted in a classification of benign for this disease.

Breakthrough Genomics
Classification: Benign. Review status: criteria provided, single submitter. Criteria: ACMG Guidelines, 2015. Collection method: not provided. Allele origin: germline. Inheritance: Autosomal recessive inheritance. Affected: yes.